The following is an entry in ClinVar:

NM_199420.4(POLQ):c.6004G>A (p.Glu2002Lys)

Gene: POLQ (DNA polymerase theta; minus strand). Cytogenetic location: 3q13.33.
Variant type: single nucleotide variant.
Coding change: c.6004G>A on transcript NM_199420.4 (MANE Select); coding-DNA position 6004, G replaced by A.
Protein change: p.Glu2002Lys; replaces glutamic acid 2002 with lysine.
Molecular consequence: missense variant.
Genome position (GRCh38, 1-based): chr3:121,481,779, C>T on the plus strand (G>A on the coding strand, the complement: POLQ is on the minus strand). VCF-style: chr3-121481779-C-T. GRCh37 (hg19) VCF-style: chr3-121200626-C-T.
Other names: short protein forms E2002K.
Identifiers: ClinVar variation 1751039 (VCV001751039.2), dbSNP rs1027184583, ClinGen allele CA81830737.

ClinVar aggregate classification (germline): Uncertain significance (1 of 4 stars; one submission).

Allele frequency attached by ClinVar (database versions not stated): gnomAD exomes below 0.00001; TOPMed 0.00001.
gnomAD v4.1: 4 of 1,612,878 alleles (0.00025%); highest among the groups gnomAD compares: African/African-American, 0.0027%; no homozygotes.

Submission:

Ambry Genetics
Classification: Uncertain significance. Last evaluated: 2024-03-06. Review status: criteria provided, single submitter. Criteria: Ambry Variant Classification Scheme 2023. Collection method: clinical testing. Allele origin: germline.
Comment: The p.E2002K variant (also known as c.6004G>A), located in coding exon 19 of the POLQ gene, results from a G to A substitution at nucleotide position 6004. The glutamic acid at codon 2002 is replaced by lysine, an amino acid with similar properties. This amino acid position is conserved. In addition, this alteration is predicted to be tolerated by in silico analysis. Since supporting evidence is limited at this time, the clinical significance of this alteration remains unclear.